The following is an entry in ClinVar:

ClinVar aggregate classification (germline): Likely benign. Review status: criteria provided, single submitter (1 of 4 stars). 2 submissions from 2 submitters: Likely benign (1). 1 of the submissions does not count toward it. Last evaluated 2018-12-01.

Conditions:
CCDC88C-related disorder. Also called: CCDC88C-related condition; CCDC88C-Related Disorders.

Allele frequency attached by ClinVar (database versions not stated): gnomAD exomes 0.00001; ExAC 0.00002; TOPMed 0.00003; gnomAD 0.00004; ESP Exome Variant Server 0.00008.
gnomAD v4.1: 54 of 1,610,536 alleles (0.0034%); highest among the groups gnomAD compares: African/African-American, 0.0053%; no homozygotes.

Submissions (2):

CeGaT Center for Human Genetics Tuebingen
Classification: Likely benign. Last evaluated: 2018-12-01. Review status: criteria provided, single submitter. Criteria: CeGaT Center For Human Genetics Tuebingen Variant Classification Criteria Version 2. Collection method: clinical testing. Allele origin: germline. Affected: yes. Observed: 1 variant allele.

PreventionGenetics, part of Exact Sciences
Classification: Likely benign for CCDC88C-related condition. Last evaluated: 2019-03-11. Review status: no assertion criteria provided. Collection method: clinical testing. Allele origin: germline. Not counted in ClinVar's aggregate classification.
Comment: This variant is classified as likely benign based on ACMG/AMP sequence variant interpretation guidelines (Richards et al. 2015 PMID: 25741868, with internal and published modifications).

NM_001080414.4(CCDC88C):c.1341C>T (p.Asp447=)

Gene: CCDC88C (coiled-coil and HOOK domain protein 88C; minus strand). Cytogenetic location: 14q32.11.
Variant type: single nucleotide variant.
Coding change: c.1341C>T on transcript NM_001080414.4 (MANE Select); coding-DNA position 1341, C replaced by T.
Protein change: p.Asp447=; no amino-acid change (aspartic acid 447 retained).
Molecular consequence: synonymous variant.
Genome position (GRCh38, 1-based): chr14:91,324,780, G>A on the plus strand (C>T on the coding strand, the complement: CCDC88C is on the minus strand). VCF-style: chr14-91324780-G-A. GRCh37 (hg19) VCF-style: chr14-91791124-G-A.
Other names: c.1341C>T (NM_001080414.3).
Identifiers: ClinVar variation 807166 (VCV000807166.43), dbSNP rs200285250, ClinGen allele CA7309939.